The following is an entry in ClinVar:

NM_006796.3(AFG3L2):c.-44_-35del

Gene: AFG3L2 (AFG3 like matrix AAA peptidase subunit 2; minus strand). Cytogenetic location: 18p11.21.
Variant type: Deletion.
Coding change: c.-44_-35del on transcript NM_006796.3 (MANE Select); 44 bases upstream of the start codon through 35 bases upstream of the start codon, 10 bases deleted (GCGCCTGCGC; older notation c.-44_-35delGCGCCTGCGC).
Molecular consequence: 5 prime UTR variant.
Genome position (GRCh38, 1-based): chr18:12,377,117-12,377,126, GCGCAGGCGC deleted on the plus strand (GCGCCTGCGC on the coding strand, the reverse complement: AFG3L2 is on the minus strand); deleting any 10 consecutive bases within chr18:12,377,117-12,377,127 gives the same sequence; the c. name uses the placement nearest the transcript's 3' end. VCF-style (leftmost placement, unchanged base first): chr18-12377116-TGCGCAGGCGC-T. GRCh37 (hg19) VCF-style: chr18-12377115-TGCGCAGGCGC-T.
Other names: c.-44_-35delGCGCCTGCGC (NM_006796.2).
Identifiers: ClinVar variation 507901 (VCV000507901.1), dbSNP rs1555673702, ClinGen allele CA658799004.

ClinVar aggregate classification (germline): Likely benign (1 of 4 stars; one submission).

Submission:

GeneDx
Classification: Likely benign. Last evaluated: 2017-03-14. Review status: criteria provided, single submitter. Criteria: GeneDx Variant Classification (06012015). Collection method: clinical testing. Allele origin: germline. Affected: yes.
Comment: This variant is considered likely benign or benign based on one or more of the following criteria: it is a conservative change, it occurs at a poorly conserved position in the protein, it is predicted to be benign by multiple in silico algorithms, and/or has population frequency not consistent with disease.